The following is an entry in ClinVar:

NM_001048174.2(MUTYH):c.478G>C (p.Glu160Gln)

Gene: MUTYH (mutY DNA glycosylase; minus strand). Cytogenetic location: 1p34.1.
Variant type: single nucleotide variant.
Coding change: c.478G>C on transcript NM_001048174.2 (MANE Select); coding-DNA position 478, G replaced by C.
Protein change: p.Glu160Gln; replaces glutamic acid 160 with glutamine.
Molecular consequence: missense variant. On other transcripts: non-coding transcript variant (7).
Genome position (GRCh38, 1-based): chr1:45,332,777, C>G on the plus strand (G>C on the coding strand, the complement: MUTYH is on the minus strand). VCF-style: chr1-45332777-C-G. GRCh37 (hg19) VCF-style: chr1-45798449-C-G.
Other names: c.478G>C, p.Glu160Gln (NM_001048173.2, NM_001293195.2, NM_001407081.1 and 6 more transcripts); c.562G>C, p.Glu188Gln (NM_001128425.2); c.523G>C, p.Glu175Gln (NM_001293190.2); c.511G>C, p.Glu171Gln (NM_001293191.2, NM_001407069.1, NM_001407077.1); c.202G>C, p.Glu68Gln (NM_001293192.2, NM_001293196.2, NM_001407091.1); c.439G>C, p.Glu147Gln (NM_001407079.1); c.436G>C, p.Glu146Gln (NM_001407080.1); c.133G>C, p.Glu45Gln (NM_001407082.1, NM_001350650.2, NM_001350651.2); and 5 more; short protein forms E161Q, E45Q, E132Q, E175Q, E160Q, E174Q, E185Q, E188Q.
Identifiers: ClinVar variation 4113728 (VCV004113728.1).
Genomic context (GRCh38, chr1:45,332,777, plus strand): 5'-AGACACCCAAGACTCCTGGGTTCCTACCCTCCTGCCATCCCCTTACCTTCCGAGCTCCCT[C>G]CTGCAGCCGCCGGCCACGAGAATAGTAGCCCAGGCCAGCCCAGAGTTGATTCACCTCCTG-3'
Protein context (NP_001041639.1, residues 150-170): GYYSRGRRLQ[Glu160Gln]GARKVVEELG

ClinVar aggregate classification (germline): Uncertain significance (1 of 4 stars; one submission).

Conditions:
Hereditary cancer-predisposing syndrome. Also called: Hereditary neoplastic syndrome; Neoplastic Syndromes, Hereditary; Tumor predisposition; Hereditary Cancer Syndrome. Identifiers: Orphanet 140162, MedGen C0027672, MeSH D009386, MONDO:0015356.

Submission:

Ambry Genetics
Classification: Uncertain significance for Hereditary cancer-predisposing syndrome. Last evaluated: 2025-08-27. Review status: criteria provided, single submitter. Criteria: Ambry Variant Classification Scheme 2023. Collection method: clinical testing. Allele origin: germline.
Comment: The p.E188Q variant (also known as c.562G>C), located in coding exon 7 of the MUTYH gene, results from a G to C substitution at nucleotide position 562. The glutamic acid at codon 188 is replaced by glutamine, an amino acid with highly similar properties. This amino acid position is conserved. In addition, this alteration is predicted to be tolerated by in silico analysis. Based on the available evidence, the clinical significance of this variant remains unclear.